The following is an entry in ClinVar:

ClinVar aggregate classification (germline): Uncertain significance (1 of 4 stars; one submission).

gnomAD v4.1: 6 of 1,591,800 alleles (0.00038%); highest among the groups gnomAD compares: Non-Finnish European, 0.00051%; no homozygotes.

Submission:

Dasa
Classification: Uncertain significance. Last evaluated: 2025-12-19. Review status: criteria provided, single submitter. Criteria: DASA Assertion Criteria. Collection method: clinical testing. Allele origin: germline.
Comment: NM_002267.4(KPNA3):c.709A>G (p.Met237Val) is a missense variant that results in the substitution of methionine with valine. This variant is rare in population databases. The currently available literature and clinical evidence are not sufficient to establish a definitive association between this variant and the reported condition. Therefore, this variant is classified as a variant of uncertain significance.

NM_002267.4(KPNA3):c.709A>G (p.Met237Val)

Gene: KPNA3 (karyopherin subunit alpha 3; minus strand). Cytogenetic location: 13q14.2.
Variant type: single nucleotide variant.
Coding change: c.709A>G on transcript NM_002267.4 (MANE Select); coding-DNA position 709, A replaced by G.
Protein change: p.Met237Val; replaces methionine 237 with valine.
Molecular consequence: missense variant.
Genome position (GRCh38, 1-based): chr13:49,721,972, T>C on the plus strand (A>G on the coding strand, the complement: KPNA3 is on the minus strand). VCF-style: chr13-49721972-T-C. GRCh37 (hg19) VCF-style: chr13-50296108-T-C.
Other names: short protein forms M237V.
Identifiers: ClinVar variation 4882934 (VCV004882934.2).